The following is an entry in ClinVar:

ClinVar aggregate classification (germline): Uncertain significance (1 of 4 stars; one submission).

Conditions:
Inborn genetic diseases. Identifiers: MedGen C0950123, MeSH D030342.

Submission:

Ambry Genetics
Classification: Uncertain significance for Inborn genetic diseases. Last evaluated: 2024-05-21. Review status: criteria provided, single submitter. Criteria: Ambry Variant Classification Scheme 2023. Collection method: clinical testing. Allele origin: germline.
Comment: The p.G421R variant (also known as c.1261G>C), located in coding exon 4 of the SMAD6 gene, results from a G to C substitution at nucleotide position 1261. The glycine at codon 421 is replaced by arginine, an amino acid with dissimilar properties. This amino acid position is conserved. In addition, the in silico prediction for this alteration is inconclusive. Based on the available evidence, the clinical significance of this variant remains unclear.

NM_005585.5(SMAD6):c.1261G>C (p.Gly421Arg)

Gene: SMAD6 (SMAD family member 6; plus strand). Cytogenetic location: 15q22.31.
Variant type: single nucleotide variant.
Coding change: c.1261G>C on transcript NM_005585.5 (MANE Select); coding-DNA position 1261, G replaced by C.
Protein change: p.Gly421Arg; replaces glycine 421 with arginine.
Molecular consequence: missense variant. On other transcripts: non-coding transcript variant (1).
Genome position (GRCh38, 1-based): chr15:66,781,305, G>C. VCF-style: chr15-66781305-G-C. GRCh37 (hg19) VCF-style: chr15-67073643-G-C.
Other names: short protein forms G421R.
Identifiers: ClinVar variation 3320647 (VCV003320647.1).
Genomic context (GRCh38, chr15:66,781,305, plus strand): 5'-TGGGCCTACAACCGCGGCGAGCACCCCATCTTCGTCAACTCCCCGACGCTGGACGCGCCC[G>C]GCGGCCGCGCCCTGGTCGTGCGCAAGGTGCCCCCCGGCTACTCCATCAAGGTGTTCGACT-3'
Protein context (NP_005576.3, residues 411-431): FVNSPTLDAP[Gly421Arg]GRALVVRKVP